The following is an entry in ClinVar:

ClinVar aggregate classification (germline): Uncertain significance (0 of 4 stars; one submission).

Conditions:
RAI1-related disorder. Also called: RAI1-related condition.

Allele frequency attached by ClinVar (database versions not stated): ExAC 0.00001; gnomAD 0.00001; gnomAD exomes 0.00001.
gnomAD v4.1: 8 of 1,613,360 alleles (0.0005%); highest among the groups gnomAD compares: South Asian, 0.0088%; no homozygotes.

Submission:

PreventionGenetics, part of Exact Sciences
Classification: Uncertain significance for RAI1-related condition. Last evaluated: 2023-12-28. Review status: no assertion criteria provided. Collection method: clinical testing. Allele origin: germline.
Comment: The RAI1 c.918A>T variant is predicted to result in the amino acid substitution p.Gln306His. To our knowledge, this variant has not been reported in the literature. This variant is reported in 0.0033% of alleles in individuals of South Asian descent in a large population database. At this time, the clinical significance of this variant is uncertain due to the absence of conclusive functional and genetic evidence.

NM_030665.4(RAI1):c.918A>T (p.Gln306His)

Gene: RAI1 (retinoic acid induced 1; plus strand). Cytogenetic location: 17p11.2.
Variant type: single nucleotide variant.
Coding change: c.918A>T on transcript NM_030665.4 (MANE Select); coding-DNA position 918, A replaced by T.
Protein change: p.Gln306His; replaces glutamine 306 with histidine.
Molecular consequence: missense variant.
Genome position (GRCh38, 1-based): chr17:17,793,866, A>T. VCF-style: chr17-17793866-A-T. GRCh37 (hg19) VCF-style: chr17-17697180-A-T.
Other names: short protein forms Q306H.
Identifiers: ClinVar variation 2632177 (VCV002632177.3), dbSNP rs767770472, ClinGen allele CA8418233.
Genomic context (GRCh38, chr17:17,793,866, plus strand): 5'-GCAGCAGCAGCAGCAAGCCCTTCAGAGCCGGCACCATGCCCAGGAAACCCTCCATTACCA[A>T]AACCTCGCCAAGTATCAGCACTACGGGCAGCAAGGCCAGGGCTACTGCCAGCCGGACGCA-3'
Protein context (NP_109590.3, residues 296-316): RHHAQETLHY[Gln306His]NLAKYQHYGQ